The following is an entry in ClinVar:

ClinVar aggregate classification (germline): Uncertain significance (1 of 4 stars; one submission).

gnomAD v4.1: 3 of 1,612,826 alleles (0.00019%); highest among the groups gnomAD compares: Non-Finnish European, 0.00025%; no homozygotes.

Submission:

Ambry Genetics
Classification: Uncertain significance. Last evaluated: 2023-12-24. Review status: criteria provided, single submitter. Criteria: Ambry Variant Classification Scheme 2023. Collection method: clinical testing. Allele origin: germline.
Comment: The p.G2004V variant (also known as c.6011G>T), located in coding exon 9 of the ALPK2 gene, results from a G to T substitution at nucleotide position 6011. The glycine at codon 2004 is replaced by valine, an amino acid with dissimilar properties. This amino acid position is conserved. In addition, this alteration is predicted to be tolerated by in silico analysis. Since supporting evidence is limited at this time, the clinical significance of this alteration remains unclear.

NM_052947.4(ALPK2):c.6011G>T (p.Gly2004Val)

Gene: ALPK2 (alpha kinase 2; minus strand). Cytogenetic location: 18q21.31.
Variant type: single nucleotide variant.
Coding change: c.6011G>T on transcript NM_052947.4 (MANE Select); coding-DNA position 6011, G replaced by T.
Protein change: p.Gly2004Val; replaces glycine 2004 with valine.
Molecular consequence: missense variant.
Genome position (GRCh38, 1-based): chr18:58,515,011, C>A on the plus strand (G>T on the coding strand, the complement: ALPK2 is on the minus strand). VCF-style: chr18-58515011-C-A. GRCh37 (hg19) VCF-style: chr18-56182243-C-A.
Other names: short protein forms G2004V.
Identifiers: ClinVar variation 3228832 (VCV003228832.1), dbSNP rs759031074, ClinGen allele CA402546182.